The following is an entry in ClinVar:

NM_001166108.2(PALLD):c.3109G>C (p.Gly1037Arg)

Genes: CBR4 (carbonyl reductase 4; minus strand), PALLD (palladin, cytoskeletal associated protein; plus strand). Cytogenetic location: 4q32.3.
Variant type: single nucleotide variant.
Coding change: c.3109G>C on transcript NM_001166108.2 (MANE Select); coding-DNA position 3109, G replaced by C.
Protein change: p.Gly1037Arg; replaces glycine 1037 with arginine.
Molecular consequence: missense variant.
Genome position (GRCh38, 1-based): chr4:168,924,305, G>C. VCF-style: chr4-168924305-G-C. GRCh37 (hg19) VCF-style: chr4-169845456-G-C.
Other names: c.1912G>C, p.Gly638Arg (NM_001166109.2); c.1597G>C, p.Gly533Arg (NM_001166110.2); c.937G>C, p.Gly313Arg (NM_001367567.1, NM_001367569.1); c.988G>C, p.Gly330Arg (NM_001367568.1, NM_001367570.1); c.3058G>C, p.Gly1020Arg (NM_016081.4); short protein forms G1037R, G313R, G330R, G638R, G1020R, G533R.
Identifiers: ClinVar variation 3413563 (VCV003413563.1).
Genomic context (GRCh38, chr4:168,924,305, plus strand): 5'-GTTTTCTTAGCTAAAGAAGCACACAAACCCCCTGTGTTTATTGAGAAGCTCCAAAACACA[G>C]GAGTTGCTGATGGGTACCCAGTGCGGCTGGAATGTCGTGTATTGGGAGTGCCACCACCTC-3'
Protein context (NP_001159580.1, residues 1027-1047): PVFIEKLQNT[Gly1037Arg]VADGYPVRLE

ClinVar aggregate classification (germline): Uncertain significance (1 of 4 stars; one submission).

Submission:

Ambry Genetics
Classification: Uncertain significance. Last evaluated: 2024-10-11. Review status: criteria provided, single submitter. Criteria: Ambry Variant Classification Scheme 2023. Collection method: clinical testing. Allele origin: germline.
Comment: The p.G1020R variant (also known as c.3058G>C), located in coding exon 17 of the PALLD gene, results from a G to C substitution at nucleotide position 3058. The glycine at codon 1020 is replaced by arginine, an amino acid with dissimilar properties. This amino acid position is conserved. In addition, this alteration is predicted to be tolerated by in silico analysis. Based on the available evidence, the clinical significance of this variant remains unclear.